The following is an entry in ClinVar:

ClinVar aggregate classification (germline): Pathogenic. Review status: criteria provided, multiple submitters, no conflicts (2 of 4 stars). 2 submissions from 2 submitters: Pathogenic (2). Last evaluated 2024-06-13.

Conditions:
Retinitis pigmentosa 26 (RP26). Identifiers: Orphanet 791, MedGen C1842127, MONDO:0012024, OMIM 608380.

Submissions (2):

Fulgent Genetics
Classification: Pathogenic for Retinitis pigmentosa 26. Last evaluated: 2024-06-13. Review status: criteria provided, single submitter. Criteria: ACMG Guidelines, 2015. Collection method: clinical testing. Allele origin: germline.

Labcorp Genetics (formerly Invitae), Labcorp
Classification: Pathogenic. Last evaluated: 2023-04-01. Review status: criteria provided, single submitter. Criteria: Invitae Variant Classification Sherloc (09022015). Collection method: clinical testing. Allele origin: germline.
Comment: For these reasons, this variant has been classified as Pathogenic. This variant is also known as p.Lys189Serfs*5. This premature translational stop signal has been observed in individual(s) with retinitis pigmentosa (PMID: 33322828). Information on the frequency of this variant in the gnomAD database is not available, as this variant may be reported differently in the database. This sequence change creates a premature translational stop signal (p.Lys189Serfs*6) in the CERKL gene. It is expected to result in an absent or disrupted protein product. Loss-of-function variants in CERKL are known to be pathogenic (PMID: 14681825, 23591405, 24043777).

Literature cited by the submitters: PubMed 33322828 (cited by Labcorp Genetics (formerly Invitae), Labcorp); PubMed 14681825 (cited by Labcorp Genetics (formerly Invitae), Labcorp); PubMed 23591405 (cited by Labcorp Genetics (formerly Invitae), Labcorp); PubMed 24043777 (cited by Labcorp Genetics (formerly Invitae), Labcorp).

NM_201548.5(CERKL):c.566_569delinsGTG (p.Lys189fs)

Gene: CERKL (CERK like autophagy regulator; minus strand). Cytogenetic location: 2q31.3.
Variant type: Indel.
Coding change: c.566_569delinsGTG on transcript NM_201548.5 (MANE Select); coding-DNA positions 566 to 569, AGGT replaced by GTG.
Protein change: p.Lys189fs; shifts the reading frame from lysine 189.
Molecular consequence: frameshift variant. On other transcripts: non-coding transcript variant (1), intron variant (2).
Genome position (GRCh38, 1-based): chr2:181,573,797-181,573,800, ACCT replaced by CAC on the plus strand (AGGT replaced by GTG on the coding strand, the reverse complement: CERKL is on the minus strand). VCF-style: chr2-181573797-ACCT-CAC. GRCh37 (hg19) VCF-style: chr2-182438524-ACCT-CAC.
Other names: c.566_569delinsGTG, p.Lys189fs (NM_001030311.3, NM_001030313.3); c.482-24092_482-24089delinsGTG (NM_001030312.3); c.482-7679_482-7676delinsGTG (NM_001160277.2); short protein forms K189fs.
Identifiers: ClinVar variation 866309 (VCV000866309.5), dbSNP rs1689010156, ClinGen allele CA916082259.